The following is an entry in ClinVar:

ClinVar aggregate classification (germline): Likely benign (1 of 4 stars; one submission).

Allele frequency attached by ClinVar (database versions not stated): gnomAD exomes 0.00001 and 0.00002; TOPMed 0.00001; ExAC 0.00003.
gnomAD v4.1: 8 of 1,613,578 alleles (0.0005%); highest among the groups gnomAD compares: East Asian, 0.016%; no homozygotes.

Submission:

GeneDx
Classification: Likely benign. Last evaluated: 2017-06-26. Review status: criteria provided, single submitter. Criteria: GeneDx Variant Classification (06012015). Collection method: clinical testing. Allele origin: germline. Affected: yes.
Comment: This variant is considered likely benign or benign based on one or more of the following criteria: it is a conservative change, it occurs at a poorly conserved position in the protein, it is predicted to be benign by multiple in silico algorithms, and/or has population frequency not consistent with disease.

NM_007255.3(B4GALT7):c.69C>T (p.Gly23=)

Gene: B4GALT7 (beta-1,4-galactosyltransferase 7; plus strand). Cytogenetic location: 5q35.3.
Variant type: single nucleotide variant.
Coding change: c.69C>T on transcript NM_007255.3 (MANE Select); coding-DNA position 69, C replaced by T.
Protein change: p.Gly23=; no amino-acid change (glycine 23 retained).
Molecular consequence: synonymous variant.
Genome position (GRCh38, 1-based): chr5:177,604,197, C>T. VCF-style: chr5-177604197-C-T. GRCh37 (hg19) VCF-style: chr5-177031198-C-T.
Identifiers: ClinVar variation 518157 (VCV000518157.1), dbSNP rs759998518, ClinGen allele CA3586372.